The following is an entry in ClinVar:

NM_032444.4(SLX4):c.2021T>G (p.Leu674Arg)

Gene: SLX4 (SLX4 structure-specific endonuclease subunit; minus strand). Cytogenetic location: 16p13.3.
Variant type: single nucleotide variant.
Coding change: c.2021T>G on transcript NM_032444.4 (MANE Select); coding-DNA position 2021, T replaced by G.
Protein change: p.Leu674Arg; replaces leucine 674 with arginine.
Molecular consequence: missense variant.
Genome position (GRCh38, 1-based): chr16:3,594,592, A>C on the plus strand (T>G on the coding strand, the complement: SLX4 is on the minus strand). VCF-style: chr16-3594592-A-C. GRCh37 (hg19) VCF-style: chr16-3644593-A-C.
Other names: short protein forms L674R.
Identifiers: ClinVar variation 1335202 (VCV001335202.41), dbSNP rs889646690, ClinGen allele CA276961560.

ClinVar aggregate classification (germline): Uncertain significance. Review status: criteria provided, multiple submitters, no conflicts (2 of 4 stars). 3 submissions from 3 submitters: Uncertain significance (3). Last evaluated 2023-05-23.

Conditions:
Fanconi anemia (FA). Also called: Fanconi's anemia. Identifiers: Orphanet 84, MedGen C0015625, MeSH D005199, MONDO:0019391.

Allele frequency attached by ClinVar (database versions not stated): gnomAD exomes below 0.00001; gnomAD 0.00001; TOPMed 0.00002.
gnomAD v4.1: 7 of 1,613,918 alleles (0.00043%); highest among the groups gnomAD compares: Non-Finnish European, 0.00059%; no homozygotes.

Submissions (3):

Labcorp Genetics (formerly Invitae), Labcorp
Classification: Uncertain significance for Fanconi anemia. Last evaluated: 2023-05-23. Review status: criteria provided, single submitter. Criteria: Invitae Variant Classification Sherloc (09022015). Collection method: clinical testing. Allele origin: germline.
Comment: In summary, the available evidence is currently insufficient to determine the role of this variant in disease. Therefore, it has been classified as a Variant of Uncertain Significance. An algorithm developed to predict the effect of missense changes on protein structure and function (PolyPhen-2) suggests that this variant is likely to be disruptive. This sequence change replaces leucine, which is neutral and non-polar, with arginine, which is basic and polar, at codon 674 of the SLX4 protein (p.Leu674Arg). This variant is not present in population databases (gnomAD no frequency). This variant has not been reported in the literature in individuals affected with SLX4-related conditions. ClinVar contains an entry for this variant (Variation ID: 1335202).

GeneDx
Classification: Uncertain significance. Last evaluated: 2022-03-16. Review status: criteria provided, single submitter. Criteria: GeneDx Variant Classification Process June 2021. Collection method: clinical testing. Allele origin: germline. Affected: yes.
Comment: Not observed at significant frequency in large population cohorts (gnomAD); In silico analysis supports that this missense variant has a deleterious effect on protein structure/function; Has not been previously published as pathogenic or benign to our knowledge

CeGaT Center for Human Genetics Tuebingen
Classification: Uncertain significance. Last evaluated: 2021-12-01. Review status: criteria provided, single submitter. Criteria: CeGaT Center For Human Genetics Tuebingen Variant Classification Criteria Version 2. Collection method: clinical testing. Allele origin: germline. Affected: yes. Observed: 1 variant allele.